The following is an entry in ClinVar:

NM_001267550.2(TTN):c.99752A>G (p.Tyr33251Cys)

Genes: TTN (titin; minus strand), TTN-AS1 (TTN antisense RNA 1; plus strand), LOC126806420 (BRD4-independent group 4 enhancer GRCh37_chr2:179401104-179402303; plus strand). Cytogenetic location: 2q31.2.
Variant type: single nucleotide variant.
Coding change: c.99752A>G on transcript NM_001267550.2 (MANE Select); coding-DNA position 99752, A replaced by G.
Protein change: p.Tyr33251Cys; replaces tyrosine 33251 with cysteine.
Molecular consequence: missense variant. On other transcripts: non-coding transcript variant (1).
Genome position (GRCh38, 1-based): chr2:178,537,455, T>C on the plus strand (A>G on the coding strand, the complement: TTN is on the minus strand). VCF-style: chr2-178537455-T-C. GRCh37 (hg19) VCF-style: chr2-179402182-T-C.
Other names: c.99752A>G (NM_001267550.1); c.94829A>G, p.Tyr31610Cys (NM_001256850.1); c.72557A>G, p.Tyr24186Cys (NM_003319.4); c.92048A>G, p.Tyr30683Cys (NM_133378.4); c.72932A>G, p.Tyr24311Cys (NM_133432.3); c.73133A>G, p.Tyr24378Cys (NM_133437.4); short protein forms Y24186C, Y24311C, Y24378C, Y30683C, Y31610C, Y33251C.
Identifiers: ClinVar variation 1307592 (VCV001307592.8), dbSNP rs377456237, ClinGen allele CA1986149.

ClinVar aggregate classification (germline): Uncertain significance. Review status: criteria provided, multiple submitters, no conflicts (2 of 4 stars). 4 submissions from 4 submitters: Uncertain significance (4). Last evaluated 2026-08-31.

Conditions:
Dilated cardiomyopathy 1G (CMD1G). Identifiers: Orphanet 154, MedGen C1858763, MONDO:0011400, OMIM 604145.
Hypertrophic cardiomyopathy 9. Also called: Familial hypertrophic cardiomyopathy 9. Identifiers: MedGen C1861065, MONDO:0013412, OMIM 613765.
Early-onset myopathy with fatal cardiomyopathy (CMYO5). Also called: Salih Myopathy; CONGENITAL MYOPATHY 5 WITH CARDIOMYOPATHY. Identifiers: Orphanet 289377, MedGen C2673677, MONDO:0012714, OMIM 611705. Disease mechanism: loss of function.
Tibial muscular dystrophy (TMD). Also called: UDD MYOPATHY; Tibial muscular dystrophy, tardive; Udd Distal Myopathy – Tibial Muscular Dystrophy. Identifiers: Orphanet 609, MedGen C1838244, MONDO:0010870, OMIM 600334.
Autosomal recessive limb-girdle muscular dystrophy type 2J (LGMDR10). Also called: Limb-girdle muscular dystrophy, type 2J; MUSCULAR DYSTROPHY, LIMB-GIRDLE, AUTOSOMAL RECESSIVE 10. Identifiers: Orphanet 140922, MedGen C1837342, MONDO:0012127, OMIM 608807.
Myopathy, myofibrillar, 9, with early respiratory failure (MFM9). Also called: Hereditary myopathy with early respiratory failure; EDSTROM MYOPATHY; MYOPATHY, PROXIMAL, WITH EARLY RESPIRATORY MUSCLE INVOLVEMENT; Myopathy, distal, with early respiratory failure, autosomal dominant. Identifiers: Orphanet 178464, Orphanet 34521, MedGen C1863599, MONDO:0011362, OMIM 603689.
Cardiovascular phenotype. Identifiers: MedGen CN230736.
TTN-related disorder. Also called: TTN-related disorders; TTN-related condition; TTN-related disease.

Allele frequency attached by ClinVar (database versions not stated): gnomAD exomes below 0.00001; ExAC 0.00001; gnomAD 0.00002 and 0.00003; TOPMed 0.00003; ESP Exome Variant Server 0.00008.
gnomAD v4.1: 7 of 1,613,208 alleles (0.00043%); highest among the groups gnomAD compares: African/African-American, 0.0053%; no homozygotes.

Submissions (4):

GeneDx
Classification: Uncertain significance. Last evaluated: 2026-08-31. Review status: criteria provided, single submitter. Criteria: GeneDx Variant Classification Process June 2021. Collection method: clinical testing. Allele origin: germline.
Comment: Not observed at significant frequency in large population cohorts (gnomAD); Missense variant in a gene in which most reported pathogenic variants are truncating/loss-of-function; Has not been previously published as pathogenic or benign to our knowledge

PreventionGenetics, part of Exact Sciences
Classification: Uncertain significance for TTN-related condition. Last evaluated: 2025-03-28. Review status: criteria provided, single submitter. Criteria: ACMG Guidelines, 2015. Collection method: clinical testing. Allele origin: germline.
Comment: The TTN c.99752A>G variant is predicted to result in the amino acid substitution p.Tyr33251Cys. To our knowledge, this variant has not been reported in the literature. This variant is reported in 0.0083% of alleles in individuals of African descent in gnomAD. At this time, the clinical significance of this variant is uncertain due to the absence of conclusive functional and genetic evidence.

Fulgent Genetics
Classification: Uncertain significance for Tibial muscular dystrophy; Myopathy, myofibrillar, 9, with early respiratory failure; Dilated cardiomyopathy 1G; Autosomal recessive limb-girdle muscular dystrophy type 2J; Early-onset myopathy with fatal cardiomyopathy; Hypertrophic cardiomyopathy 9. Last evaluated: 2021-10-19. Review status: criteria provided, single submitter. Criteria: ACMG Guidelines, 2015. Collection method: clinical testing. Allele origin: unknown.

Ambry Genetics
Classification: Uncertain significance for Cardiovascular phenotype. Last evaluated: 2020-08-31. Review status: criteria provided, single submitter. Criteria: Ambry Variant Classification Scheme 2023. Collection method: clinical testing. Allele origin: germline.
Comment: The p.Y24186C variant (also known as c.72557A>G), located in coding exon 182 of the TTN gene, results from an A to G substitution at nucleotide position 72557. The tyrosine at codon 24186 is replaced by cysteine, an amino acid with highly dissimilar properties. This amino acid position is highly conserved in available vertebrate species. In addition, the in silico prediction for this alteration is inconclusive. Since supporting evidence is limited at this time, the clinical significance of this alteration remains unclear.